The following is an entry in ClinVar:

NM_007194.4(CHEK2):c.934A>T (p.Lys312Ter)

Gene: CHEK2 (checkpoint kinase 2; minus strand). Cytogenetic location: 22q12.1.
Variant type: single nucleotide variant.
Coding change: c.934A>T on transcript NM_007194.4 (MANE Select); coding-DNA position 934, A replaced by T.
Protein change: p.Lys312Ter; replaces lysine 312 with a stop codon.
Molecular consequence: nonsense.
Genome position (GRCh38, 1-based): chr22:28,699,912, T>A on the plus strand (A>T on the coding strand, the complement: CHEK2 is on the minus strand). VCF-style: chr22-28699912-T-A. GRCh37 (hg19) VCF-style: chr22-29095900-T-A.
Other names: c.1063A>T, p.Lys355Ter (NM_001005735.3); c.271A>T, p.Lys91Ter (NM_001257387.3); c.733A>T, p.Lys245Ter (NM_001349956.3); c.934A>T, p.Lys312Ter (NM_145862.3); short protein forms K245*, K312*, K355*, K91*.
Identifiers: ClinVar variation 3774464 (VCV003774464.1).

ClinVar aggregate classification (germline): Likely pathogenic (1 of 4 stars; one submission).

Conditions:
Hereditary cancer-predisposing syndrome. Also called: Tumor predisposition; Hereditary Cancer Syndrome; Neoplastic Syndromes, Hereditary; Hereditary neoplastic syndrome. Identifiers: Orphanet 140162, MedGen C0027672, MeSH D009386, MONDO:0015356.

Submission:

Molecular Diagnostics Laboratory, Catalan Institute of Oncology
Classification: Likely pathogenic for Hereditary cancer-predisposing syndrome. Last evaluated: 2025-03-23. Review status: criteria provided, single submitter. Criteria: ACMG Guidelines, 2015. Collection method: clinical testing. Allele origin: germline.
Comment: PVS1, PM2_Supporting c.934A>T, located in exon 9 of the CHEK2 gene, is expected to result in loss of function by premature protein truncation and nonsense-mediated mRNA decay (PVS1), p.(Lys312*).It is not present in the population database gnomAD v2.1.1, non cancer dataset (PM2_supporting). The SpliceAI algorithm predicts no significant impact on splicing. To our knowledge, functional studies have not been performed for this variant. The variant has been reported in the ClinVar database (1x uncertain significance) but it has not been reported in the LOVD database. Based on currently available information, the variant c.934A>T is classified as a likely pathogenic variant according to ACMG guidelines.